The following is an entry in ClinVar:

NM_000455.5(STK11):c.105C>A (p.Ile35=)

Gene: STK11 (serine/threonine kinase 11; plus strand). Cytogenetic location: 19p13.3.
Variant type: single nucleotide variant.
Coding change: c.105C>A on transcript NM_000455.5 (MANE Select); coding-DNA position 105, C replaced by A.
Protein change: p.Ile35=; no amino-acid change (isoleucine 35 retained).
Molecular consequence: synonymous variant.
Genome position (GRCh38, 1-based): chr19:1,207,018, C>A. VCF-style: chr19-1207018-C-A. GRCh37 (hg19) VCF-style: chr19-1207017-C-A.
Identifiers: ClinVar variation 412541 (VCV000412541.20), dbSNP rs1060503783, ClinGen allele CA16616216.

ClinVar aggregate classification (germline): Benign/Likely benign. Review status: criteria provided, multiple submitters, no conflicts (2 of 4 stars). 6 submissions from 6 submitters: Benign (1); Likely benign (5). Last evaluated 2025-05-18.

Conditions:
Peutz-Jeghers syndrome (PJS). Also called: POLYPOSIS, HAMARTOMATOUS INTESTINAL; POLYPS-AND-SPOTS SYNDROME; Peutz-Jeghers polyposis; Periorificial lentiginosis syndrome. Identifiers: Orphanet 2869, MedGen C0031269, MeSH D010580, MONDO:0008280, OMIM 175200.
Hereditary cancer-predisposing syndrome. Also called: Hereditary neoplastic syndrome; Neoplastic Syndromes, Hereditary; Tumor predisposition; Hereditary Cancer Syndrome. Identifiers: Orphanet 140162, MedGen C0027672, MeSH D009386, MONDO:0015356.

gnomAD v4.1: 3 of 1,613,794 alleles (0.00019%); highest among the groups gnomAD compares: Non-Finnish European, 0.00025%; no homozygotes.

Submissions (6):

Labcorp Genetics (formerly Invitae), Labcorp
Classification: Likely benign for Peutz-Jeghers syndrome. Last evaluated: 2025-05-18. Review status: criteria provided, single submitter. Criteria: Invitae Variant Classification Sherloc (09022015). Collection method: clinical testing. Allele origin: germline.

Myriad Genetics, Inc.
Classification: Benign for Peutz-Jeghers syndrome. Last evaluated: 2025-03-25. Review status: criteria provided, single submitter. Criteria: Myriad Autosomal Dominant, Autosomal Recessive and X-Linked Classification Criteria (2023). Collection method: clinical testing. Allele origin: unknown.
Comment: This variant is considered benign. This variant is a silent/synonymous amino acid change and it is not expected to impact splicing.

Women's Health and Genetics/Laboratory Corporation of America, LabCorp
Classification: Likely benign. Last evaluated: 2024-12-23. Review status: criteria provided, single submitter. Criteria: LabCorp Variant Classification Summary - May 2015. Collection method: clinical testing. Allele origin: germline.

All of Us Research Program, National Institutes of Health
Classification: Likely benign for Peutz-Jeghers syndrome. Last evaluated: 2023-12-13. Review status: criteria provided, single submitter. Criteria: ACMG Guidelines, 2015. Collection method: clinical testing. Allele origin: germline. Inheritance: Autosomal dominant inheritance. Observed: 3 variant alleles, 3 heterozygotes.
Comment: This study involves interpretation of variants in research participants for the purpose of population health screening. Participant phenotype was not available at the time of variant classification. Additional details can be found in publication PMID: 35346344, PMCID: PMC8962531

Ambry Genetics
Classification: Likely benign for Hereditary cancer-predisposing syndrome. Last evaluated: 2017-09-22. Review status: criteria provided, single submitter. Criteria: Ambry Variant Classification Scheme 2023. Collection method: clinical testing. Allele origin: germline.

Color Diagnostics, LLC DBA Color Health
Classification: Likely benign for Hereditary cancer-predisposing syndrome. Last evaluated: 2016-04-27. Review status: criteria provided, single submitter. Criteria: ACMG Guidelines, 2015. Collection method: clinical testing. Allele origin: germline.